The following is an entry in ClinVar:

NM_001318895.3(FHL2):c.211T>G (p.Cys71Gly)

Genes: C2orf49 (chromosome 2 open reading frame 49; plus strand), FHL2 (four and a half LIM domains 2; minus strand). Cytogenetic location: 2q12.2.
Variant type: single nucleotide variant.
Coding change: c.211T>G on transcript NM_001318895.3 (MANE Select); coding-DNA position 211, T replaced by G.
Protein change: p.Cys71Gly; replaces cysteine 71 with glycine.
Molecular consequence: missense variant. On other transcripts: 5 prime UTR variant (1), intron variant (2).
Genome position (GRCh38, 1-based): chr2:105,373,679, A>C on the plus strand (T>G on the coding strand, the complement: FHL2 is on the minus strand). VCF-style: chr2-105373679-A-C. GRCh37 (hg19) VCF-style: chr2-105990136-A-C.
Other names: c.211T>G (NM_201555.1); c.211T>G, p.Cys71Gly (NM_001039492.3, NM_001318894.1, NM_001318896.2 and 4 more transcripts); c.-114T>G (NM_001318899.2); c.-11-5940T>G (NM_001318897.2, NM_001318898.2); short protein forms C71G.
Identifiers: ClinVar variation 1380029 (VCV001380029.9), dbSNP rs1255979544, ClinGen allele CA348002202.

ClinVar aggregate classification (germline): Uncertain significance. Review status: criteria provided, multiple submitters, no conflicts (2 of 4 stars). 2 submissions from 2 submitters: Uncertain significance (2). Last evaluated 2024-06-10.

Conditions:
Primary dilated cardiomyopathy (DCM). Also called: Dilated Cardiomyopathy. Identifiers: Orphanet 217604, MedGen C0007193, MeSH D002311, MONDO:0005021, HP:0001644. Inheritance: Various modes of inheritance.

Allele frequency attached by ClinVar (database versions not stated): gnomAD exomes below 0.00001; TOPMed below 0.00001; gnomAD 0.00001.
gnomAD v4.1: 15 of 1,614,096 alleles (0.00093%); highest among the groups gnomAD compares: Non-Finnish European, 0.0013%; no homozygotes.

Submissions (2):

Labcorp Genetics (formerly Invitae), Labcorp
Classification: Uncertain significance for Primary dilated cardiomyopathy. Last evaluated: 2024-06-10. Review status: criteria provided, single submitter. Criteria: Invitae Variant Classification Sherloc (09022015). Collection method: clinical testing. Allele origin: germline.
Comment: This sequence change replaces cysteine, which is neutral and slightly polar, with glycine, which is neutral and non-polar, at codon 71 of the FHL2 protein (p.Cys71Gly). This variant is present in population databases (no rsID available, gnomAD 0.0009%). This variant has not been reported in the literature in individuals affected with FHL2-related conditions. ClinVar contains an entry for this variant (Variation ID: 1380029). Advanced modeling of protein sequence and biophysical properties (such as structural, functional, and spatial information, amino acid conservation, physicochemical variation, residue mobility, and thermodynamic stability) performed at Invitae indicates that this missense variant is not expected to disrupt FHL2 protein function with a negative predictive value of 80%. In summary, the available evidence is currently insufficient to determine the role of this variant in disease. Therefore, it has been classified as a Variant of Uncertain Significance.

Ambry Genetics
Classification: Uncertain significance. Last evaluated: 2022-09-27. Review status: criteria provided, single submitter. Criteria: Ambry Variant Classification Scheme 2023. Collection method: clinical testing. Allele origin: germline.